The following is an entry in ClinVar:

ClinVar aggregate classification (germline): Likely benign (0 of 4 stars; one submission).

Conditions:
EPPK1-related disorder. Also called: EPPK1-related condition.

Allele frequency attached by ClinVar (database versions not stated): ESP Exome Variant Server 0.00008; gnomAD exomes 0.00011; gnomAD 0.00023; TOPMed 0.00033; ExAC 0.00050.
gnomAD v4.1: 198 of 1,613,052 alleles (0.012%); highest among the groups gnomAD compares: Admixed American, 0.32%; 1 homozygote.

Submission:

PreventionGenetics, part of Exact Sciences
Classification: Likely benign for EPPK1-related condition. Last evaluated: 2021-06-03. Review status: no assertion criteria provided. Collection method: clinical testing. Allele origin: germline.
Comment: This variant is classified as likely benign based on ACMG/AMP sequence variant interpretation guidelines (Richards et al. 2015 PMID: 25741868, with internal and published modifications).

NM_031308.4(EPPK1):c.5397G>C (p.Leu1799=)

Gene: EPPK1 (epiplakin 1; minus strand). Cytogenetic location: 8q24.3.
Variant type: single nucleotide variant.
Coding change: c.5397G>C on transcript NM_031308.4 (MANE Select); coding-DNA position 5397, G replaced by C.
Protein change: p.Leu1799=; no amino-acid change (leucine 1799 retained).
Molecular consequence: synonymous variant.
Genome position (GRCh38, 1-based): chr8:143,867,857, C>G on the plus strand (G>C on the coding strand, the complement: EPPK1 is on the minus strand). VCF-style: chr8-143867857-C-G. GRCh37 (hg19) VCF-style: chr8-144942025-C-G.
Identifiers: ClinVar variation 3051518 (VCV003051518.2), dbSNP rs372409375, ClinGen allele CA4922147.